The following is an entry in ClinVar:

ClinVar aggregate classification (germline): Uncertain significance (1 of 4 stars; one submission).

Conditions:
Cardiovascular phenotype. Identifiers: MedGen CN230736.

Submission:

Ambry Genetics
Classification: Uncertain significance for Cardiovascular phenotype. Last evaluated: 2022-09-22. Review status: criteria provided, single submitter. Criteria: Ambry Variant Classification Scheme 2023. Collection method: clinical testing. Allele origin: germline.
Comment: The c.1251_1260del10insTTAC variant, located in coding exon 9 of the ENG gene, results from an in-frame deletion of AGCAAGTATG and insertion of TTAC at nucleotide positions 1251 to 1260. This results in the substitution of the residue for a tyrosine residue at codon 418, an amino acid with highly similar properties. This amino acid region is poorly conserved in available vertebrate species. In addition, this alteration is predicted to be deleterious by in silico analysis (Choi Y et al. PLoS ONE. 2012; 7(10):e46688). Since supporting evidence is limited at this time, the clinical significance of this alteration remains unclear.

NM_001114753.3(ENG):c.1251_1260delinsTTAC (p.Ala418_Met420delinsTyr)

Genes: ENG (endoglin; minus strand), LOC102723566 (uncharacterized LOC102723566; plus strand). Cytogenetic location: 9q34.11.
Variant type: Indel.
Coding change: c.1251_1260delinsTTAC on transcript NM_001114753.3 (MANE Select); coding-DNA positions 1251 to 1260, AGCAAGTATG replaced by TTAC.
Protein change: p.Ala418_Met420delinsTyr.
Molecular consequence: inframe indel.
Genome position (GRCh38, 1-based): chr9:127,819,912-127,819,921, CATACTTGCT replaced by GTAA on the plus strand (AGCAAGTATG replaced by TTAC on the coding strand, the reverse complement: ENG is on the minus strand). VCF-style: chr9-127819912-CATACTTGCT-GTAA. GRCh37 (hg19) VCF-style: chr9-130582191-CATACTTGCT-GTAA.
Other names: c.1251_1260delAGCAAGTATGinsTTAC, p.Ala418_Met420delinsTyr (NM_000118.4); c.705_714delinsTTAC, p.Ala236_Met238delinsTyr (NM_001278138.2).
Identifiers: ClinVar variation 1760707 (VCV001760707.2), dbSNP rs2539064002, ClinGen allele CA2580079590.